The following is an entry in ClinVar:

NM_001172509.2(SATB2):c.2074G>A (p.Glu692Lys)

Genes: SATB2 (SATB homeobox 2; minus strand), LOC126806462 (MED14-independent group 3 enhancer GRCh37_chr2:200136608-200137807; plus strand). Cytogenetic location: 2q33.1.
Variant type: single nucleotide variant.
Coding change: c.2074G>A on transcript NM_001172509.2 (MANE Select); coding-DNA position 2074, G replaced by A.
Protein change: p.Glu692Lys; replaces glutamic acid 692 with lysine.
Molecular consequence: missense variant.
Genome position (GRCh38, 1-based): chr2:199,272,339, C>T on the plus strand (G>A on the coding strand, the complement: SATB2 is on the minus strand). VCF-style: chr2-199272339-C-T. GRCh37 (hg19) VCF-style: chr2-200137062-C-T.
Other names: c.2074G>A, p.Glu692Lys (NM_001172517.1, NM_015265.4); short protein forms E692K.
Identifiers: ClinVar variation 646214 (VCV000646214.11), dbSNP rs1559135904, ClinGen allele CA350385298.

ClinVar aggregate classification (germline): Conflicting classifications of pathogenicity. Review status: criteria provided, conflicting classifications (1 of 4 stars). 2 submissions from 2 submitters: Uncertain significance (1); Likely benign (1). Last evaluated 2022-09-29.

Conditions:
Chromosome 2q32-q33 deletion syndrome (GLASS). Also called: Glass syndrome; 2q33.1 deletion syndrome. Identifiers: Orphanet 251019, MedGen C2676739, MONDO:0012864, OMIM 612313.

Submissions (2):

GeneDx
Classification: Likely benign. Last evaluated: 2022-09-29. Review status: criteria provided, single submitter. Criteria: GeneDx Variant Classification Process June 2021. Collection method: clinical testing. Allele origin: germline.
Comment: Not observed at significant frequency in large population cohorts (gnomAD); In silico analysis supports that this missense variant does not alter protein structure/function; Has not been previously published as pathogenic or benign to our knowledge

Labcorp Genetics (formerly Invitae), Labcorp
Classification: Uncertain significance for Chromosome 2q32-q33 deletion syndrome. Last evaluated: 2018-09-10. Review status: criteria provided, single submitter. Criteria: Invitae Variant Classification Sherloc (09022015). Collection method: clinical testing. Allele origin: germline.
Comment: Algorithms developed to predict the effect of missense changes on protein structure and function (SIFT, PolyPhen-2, Align-GVGD) all suggest that this variant is likely to be tolerated, but these predictions have not been confirmed by published functional studies and their clinical significance is uncertain. In summary, the available evidence is currently insufficient to determine the role of this variant in disease. Therefore, it has been classified as a Variant of Uncertain Significance. This variant has not been reported in the literature in individuals with SATB2-related disease. This variant is not present in population databases (ExAC no frequency). This sequence change replaces glutamic acid with lysine at codon 692 of the SATB2 protein (p.Glu692Lys). The glutamic acid residue is moderately conserved and there is a small physicochemical difference between glutamic acid and lysine.